The following is an entry in ClinVar:

ClinVar aggregate classification (germline): Uncertain significance. Review status: criteria provided, multiple submitters, no conflicts (2 of 4 stars). 3 submissions from 3 submitters: Uncertain significance (3). Last evaluated 2022-09-07.

Conditions:
Inborn genetic diseases. Identifiers: MedGen C0950123, MeSH D030342.
Mitochondrial disease. Also called: Mitochondrial disorder; Mitochondrial disorders. Identifiers: Orphanet 68380, MedGen C0751651, MeSH D028361, MONDO:0044970.

Allele frequency attached by ClinVar (database versions not stated): gnomAD 0.00001; ExAC 0.00002; gnomAD exomes 0.00002; TOPMed 0.00002.
gnomAD v4.1: 33 of 1,614,082 alleles (0.002%); highest among the groups gnomAD compares: Non-Finnish European, 0.0028%; no homozygotes.

Submissions (3):

Ambry Genetics
Classification: Uncertain significance for Inborn genetic diseases. Last evaluated: 2022-09-07. Review status: criteria provided, single submitter. Criteria: Ambry Variant Classification Scheme 2023. Collection method: clinical testing. Allele origin: germline.

Labcorp Genetics (formerly Invitae), Labcorp
Classification: Uncertain significance. Last evaluated: 2022-05-12. Review status: criteria provided, single submitter. Criteria: Invitae Variant Classification Sherloc (09022015). Collection method: clinical testing. Allele origin: germline.
Comment: In summary, the available evidence is currently insufficient to determine the role of this variant in disease. Therefore, it has been classified as a Variant of Uncertain Significance. Advanced modeling of protein sequence and biophysical properties (such as structural, functional, and spatial information, amino acid conservation, physicochemical variation, residue mobility, and thermodynamic stability) performed at Invitae indicates that this missense variant is expected to disrupt ACO2 protein function. This variant has not been reported in the literature in individuals affected with ACO2-related conditions. This variant is present in population databases (rs749047920, gnomAD 0.0009%). This sequence change replaces alanine, which is neutral and non-polar, with threonine, which is neutral and polar, at codon 500 of the ACO2 protein (p.Ala500Thr).

Department of Pathology and Laboratory Medicine, Sinai Health System
Classification: Uncertain significance for mitochondrial disease. Last evaluated: 2020-08-31. Review status: criteria provided, single submitter. Criteria: ACMG Guidelines, 2015. Collection method: research. Allele origin: germline.

NM_001098.3(ACO2):c.1498G>A (p.Ala500Thr)

Gene: ACO2 (aconitase 2; plus strand). Cytogenetic location: 22q13.2.
Variant type: single nucleotide variant.
Coding change: c.1498G>A on transcript NM_001098.3 (MANE Select); coding-DNA position 1498, G replaced by A.
Protein change: p.Ala500Thr; replaces alanine 500 with threonine.
Molecular consequence: missense variant.
Genome position (GRCh38, 1-based): chr22:41,524,861, G>A. VCF-style: chr22-41524861-G-A. GRCh37 (hg19) VCF-style: chr22-41920865-G-A.
Other names: short protein forms A500T.
Identifiers: ClinVar variation 1948787 (VCV001948787.7), dbSNP rs749047920, ClinGen allele CA10257685.